The following is an entry in ClinVar:

ClinVar aggregate classification (germline): Uncertain significance (1 of 4 stars; one submission).

Submission:

GeneDx
Classification: Uncertain significance. Last evaluated: 2020-01-29. Review status: criteria provided, single submitter. Criteria: GeneDx Variant Classification Process June 2021. Collection method: clinical testing. Allele origin: germline. Affected: yes.
Comment: Not observed in large population cohorts (Lek et al., 2016); In silico analysis, which includes protein predictors and evolutionary conservation, supports a deleterious effect; Has not been previously published as pathogenic or benign to our knowledge

NM_183357.3(ADCY5):c.316C>T (p.Arg106Cys)

Gene: ADCY5 (adenylate cyclase 5; minus strand). Cytogenetic location: 3q21.1.
Variant type: single nucleotide variant.
Coding change: c.316C>T on transcript NM_183357.3 (MANE Select); coding-DNA position 316, C replaced by T.
Protein change: p.Arg106Cys; replaces arginine 106 with cysteine.
Molecular consequence: missense variant.
Genome position (GRCh38, 1-based): chr3:123,448,230, G>A on the plus strand (C>T on the coding strand, the complement: ADCY5 is on the minus strand). VCF-style: chr3-123448230-G-A. GRCh37 (hg19) VCF-style: chr3-123167077-G-A.
Other names: c.316C>T, p.Arg106Cys (NM_001378259.1); short protein forms R106C.
Identifiers: ClinVar variation 1315226 (VCV001315226.2), dbSNP rs2107659076, ClinGen allele CA354358371.